The following is an entry in ClinVar:

ClinVar aggregate classification (germline): Conflicting classifications of pathogenicity. Review status: criteria provided, conflicting classifications (1 of 4 stars). 3 submissions from 3 submitters: Likely pathogenic (1); Uncertain significance (1). 1 of the submissions does not count toward it. Last evaluated 2025-10-04.

Conditions:
Neurodevelopmental disorder with or without autism or seizures (NEDAUS). Identifiers: MedGen C5543225, MONDO:0030994, OMIM 619239.

Allele frequency attached by ClinVar (database versions not stated): gnomAD exomes 0.00001.
gnomAD v4.1: 5 of 1,614,034 alleles (0.00031%); highest among the groups gnomAD compares: Non-Finnish European, 0.00042%; no homozygotes.

Submissions (3):

Dasa
Classification: Uncertain significance. Last evaluated: 2025-10-04. Review status: criteria provided, single submitter. Criteria: DASA Assertion Criteria. Collection method: clinical testing. Allele origin: germline.
Comment: NM_003590.5(CUL3):c.2246T>C (p.Ile749Thr) is a missense variant that results in the substitution of isoleucine with threonine. This variant has been reported in individuals with CUL3-related disorders (PMID: 39501558). Also, this variant is rare in population databases. Computational prediction algorithms are consistent with a deleterious effect. The currently available literature and clinical evidence are not sufficient to establish a definitive association between this variant and the reported condition. Therefore, this variant is classified as a variant of uncertain significance.

Clinical Genetics and Genomics, Karolinska University Hospital
Classification: Likely pathogenic for Neurodevelopmental disorder with or without autism or seizures. Last evaluated: 2024-07-22. Review status: criteria provided, single submitter. Criteria: ACMG Guidelines, 2015. Collection method: clinical testing. Allele origin: de novo. Affected: yes.
Comment: This variant has been classified as Likely Pathogenic (PS2, PM2, PP3).

Gharavi Laboratory, Columbia University
Classification: Uncertain significance. Last evaluated: 2018-09-16. Review status: no assertion criteria provided. Criteria: ACMG Guidelines, 2015. Collection method: research. Allele origin: germline. Affected: yes. Not counted in ClinVar's aggregate classification.

Literature cited by the submitters: PubMed 39501558 (cited by Dasa).

NM_003590.5(CUL3):c.2246T>C (p.Ile749Thr)

Gene: CUL3 (cullin 3; minus strand). Cytogenetic location: 2q36.2.
Variant type: single nucleotide variant.
Coding change: c.2246T>C on transcript NM_003590.5 (MANE Select); coding-DNA position 2246, T replaced by C.
Protein change: p.Ile749Thr; replaces isoleucine 749 with threonine.
Molecular consequence: missense variant.
Genome position (GRCh38, 1-based): chr2:224,474,306, A>G on the plus strand (T>C on the coding strand, the complement: CUL3 is on the minus strand). VCF-style: chr2-224474306-A-G. GRCh37 (hg19) VCF-style: chr2-225339023-A-G.
Other names: c.2048T>C, p.Ile683Thr (NM_001257197.2); c.2264T>C, p.Ile755Thr (NM_001257198.2); short protein forms I749T, I683T, I755T.
Identifiers: ClinVar variation 591542 (VCV000591542.4), dbSNP rs1559332999, ClinGen allele CA350820307.